The following is an entry in ClinVar:

NM_014727.3(KMT2B):c.2648G>A (p.Arg883Gln)

Gene: KMT2B (lysine methyltransferase 2B; plus strand). Cytogenetic location: 19q13.12.
Variant type: single nucleotide variant.
Coding change: c.2648G>A on transcript NM_014727.3 (MANE Select); coding-DNA position 2648, G replaced by A.
Protein change: p.Arg883Gln; replaces arginine 883 with glutamine.
Molecular consequence: missense variant.
Genome position (GRCh38, 1-based): chr19:35,722,644, G>A. VCF-style: chr19-35722644-G-A. GRCh37 (hg19) VCF-style: chr19-36213546-G-A.
Other names: short protein forms R883Q.
Identifiers: ClinVar variation 4086777 (VCV004086777.1).
Genomic context (GRCh38, chr19:35,722,644, plus strand): 5'-TGCAAGGTCCCCGCATCAAACATGTCTGCCGTCATGCTGCTGTGGCCCTGGGTCAGGCCC[G>A]GGCCATGGTGCCTGAAGATGTCCCTCGCCTCAGTGCCCTCCCTCTCCGGGATCGGCAGGA-3'
Protein context (NP_055542.1, residues 873-893): RHAAVALGQA[Arg883Gln]AMVPEDVPRL

ClinVar aggregate classification (germline): Uncertain significance (1 of 4 stars; one submission).

gnomAD v4.1: 10 of 1,612,638 alleles (0.00062%); highest among the groups gnomAD compares: East Asian, 0.0045%; no homozygotes.

Submission:

GeneDx
Classification: Uncertain significance. Last evaluated: 2025-03-18. Review status: criteria provided, single submitter. Criteria: GeneDx Variant Classification Process June 2021. Collection method: clinical testing. Allele origin: germline. Affected: yes.
Comment: Not observed at significant frequency in large population cohorts (gnomAD); In silico analysis supports that this missense variant has a deleterious effect on protein structure/function; Has not been previously published as pathogenic or benign to our knowledge